The following is an entry in ClinVar:

NM_003322.6(TULP1):c.106G>T (p.Ala36Ser)

Gene: TULP1 (TUB like protein 1; minus strand). Cytogenetic location: 6p21.31.
Variant type: single nucleotide variant.
Coding change: c.106G>T on transcript NM_003322.6 (MANE Select); coding-DNA position 106, G replaced by T.
Protein change: p.Ala36Ser; replaces alanine 36 with serine.
Molecular consequence: missense variant.
Genome position (GRCh38, 1-based): chr6:35,512,264, C>A on the plus strand (G>T on the coding strand, the complement: TULP1 is on the minus strand). VCF-style: chr6-35512264-C-A. GRCh37 (hg19) VCF-style: chr6-35480041-C-A.
Other names: c.106G>T, p.Ala36Ser (NM_001289395.2); short protein forms A36S.
Identifiers: ClinVar variation 1042520 (VCV001042520.6), dbSNP rs891678786, ClinGen allele CA137293226.

ClinVar aggregate classification (germline): Uncertain significance (1 of 4 stars; one submission).

Allele frequency attached by ClinVar (database versions not stated): gnomAD 0.00005; TOPMed 0.00010.

Submission:

Labcorp Genetics (formerly Invitae), Labcorp
Classification: Uncertain significance. Last evaluated: 2024-07-12. Review status: criteria provided, single submitter. Criteria: Invitae Variant Classification Sherloc (09022015). Collection method: clinical testing. Allele origin: germline.
Comment: This sequence change replaces alanine with serine at codon 36 of the TULP1 protein (p.Ala36Ser). The alanine residue is weakly conserved and there is a moderate physicochemical difference between alanine and serine. This variant is present in population databases (no rsID available, gnomAD 0.01%). This missense change has been observed in individual(s) with clinical features of retinal disease (Invitae). ClinVar contains an entry for this variant (Variation ID: 1042520). Advanced modeling of protein sequence and biophysical properties (such as structural, functional, and spatial information, amino acid conservation, physicochemical variation, residue mobility, and thermodynamic stability) performed at Invitae indicates that this missense variant is not expected to disrupt TULP1 protein function with a negative predictive value of 95%. In summary, the available evidence is currently insufficient to determine the role of this variant in disease. Therefore, it has been classified as a Variant of Uncertain Significance.